The following is an entry in ClinVar:

ClinVar aggregate classification (germline): Conflicting classifications of pathogenicity. Review status: criteria provided, conflicting classifications (1 of 4 stars). 2 submissions from 2 submitters: Likely pathogenic (1); Uncertain significance (1). Last evaluated 2021-09-01.

Submissions (2):

CeGaT Center for Human Genetics Tuebingen
Classification: Likely pathogenic. Last evaluated: 2021-09-01. Review status: criteria provided, single submitter. Criteria: CeGaT Center For Human Genetics Tuebingen Variant Classification Criteria Version 2. Collection method: clinical testing. Allele origin: germline. Affected: yes. Observed: 1 variant allele.

Labcorp Genetics (formerly Invitae), Labcorp
Classification: Uncertain significance. Last evaluated: 2021-06-12. Review status: criteria provided, single submitter. Criteria: Invitae Variant Classification Sherloc (09022015). Collection method: clinical testing. Allele origin: germline.
Comment: In summary, the available evidence is currently insufficient to determine the role of this variant in disease. Therefore, it has been classified as a Variant of Uncertain Significance. Nucleotide substitutions within the consensus splice site are a relatively common cause of aberrant splicing (PMID: 17576681, 9536098). Algorithms developed to predict the effect of sequence changes on RNA splicing suggest that this variant may disrupt the consensus splice site, but this prediction has not been confirmed by published transcriptional studies. This variant has not been reported in the literature in individuals with IMPG2-related conditions. This variant is not present in population databases (ExAC no frequency). This sequence change falls in intron 18 of the IMPG2 gene. It does not directly change the encoded amino acid sequence of the IMPG2 protein. It affects a nucleotide within the consensus splice site of the intron.

Literature cited by the submitters: PubMed 17576681 (cited by Labcorp Genetics (formerly Invitae), Labcorp); PubMed 9536098 (cited by Labcorp Genetics (formerly Invitae), Labcorp).

NM_016247.4(IMPG2):c.3713+5G>A

Gene: IMPG2 (interphotoreceptor matrix proteoglycan 2; minus strand). Cytogenetic location: 3q12.3.
Variant type: single nucleotide variant.
Coding change: c.3713+5G>A on transcript NM_016247.4 (MANE Select); 5 bases into the intron after coding-DNA position 3713, G replaced by A.
Molecular consequence: intron variant.
Genome position (GRCh38, 1-based): chr3:101,228,792, C>T on the plus strand (G>A on the coding strand, the complement: IMPG2 is on the minus strand). VCF-style: chr3-101228792-C-T. GRCh37 (hg19) VCF-style: chr3-100947636-C-T.
Identifiers: ClinVar variation 1358019 (VCV001358019.36), dbSNP rs1706250496, ClinGen allele CA2573136309.
Genomic context (GRCh38, chr3:101,228,792, plus strand): 5'-GACATTACTCTAGAGTAAACTGTTAAGTCTGTAGGTCGGGGTGGGGGGCTGTTTCAAAAG[C>T]TTACACTTGTTGCTCTCTCACAAAAGCTGCAAACTCAGGATCATTGGCATACAGTTCCAA-3'